The following is an entry in ClinVar:

NM_000426.4(LAMA2):c.1032del (p.Ala343_Cys344insTer)

Gene: LAMA2 (laminin subunit alpha 2; plus strand). Cytogenetic location: 6q22.33.
Variant type: Deletion.
Coding change: c.1032del on transcript NM_000426.4 (MANE Select); coding-DNA position 1032, one base deleted (C; older notation c.1032delC).
Protein change: p.Ala343_Cys344insTer.
Molecular consequence: nonsense.
Genome position (GRCh38, 1-based): chr6:129,154,509, C deleted. VCF-style (leftmost placement, unchanged base first): chr6-129154508-GC-G. GRCh37 (hg19) VCF-style: chr6-129475653-GC-G.
Other names: c.1032del, p.Ala343_Cys344insTer (NM_001079823.2).
Identifiers: ClinVar variation 2751866 (VCV002751866.3), dbSNP rs2482624832, ClinGen allele CA2697553743.
Genomic context (GRCh38, chr6:129,154,508, plus strand): 5'-TTTTAAATGTATCTGAAATCAAATTGATGTTTATTAATTTATTTTTCCTTAATGCAGCAT[GC>G]AATTGTCATGGAAAAGCTGAAGAATGCTATTATGATGAAAATGTTGCCAGAAGAAATCTG-3'

ClinVar aggregate classification (germline): Pathogenic (1 of 4 stars; one submission).

Conditions:
LAMA2-related muscular dystrophy (LAMA2-RD). Also called: Laminin alpha 2-related dystrophy. Identifiers: MedGen C5679788, MONDO:0100228.

Submission:

Labcorp Genetics (formerly Invitae), Labcorp
Classification: Pathogenic for LAMA2-related muscular dystrophy. Last evaluated: 2023-08-11. Review status: criteria provided, single submitter. Criteria: Invitae Variant Classification Sherloc (09022015). Collection method: clinical testing. Allele origin: germline.
Comment: This variant is not present in population databases (gnomAD no frequency). This sequence change creates a premature translational stop signal (p.Cys344*) in the LAMA2 gene. It is expected to result in an absent or disrupted protein product. Loss-of-function variants in LAMA2 are known to be pathogenic (PMID: 18700894, 32904964). This variant has not been reported in the literature in individuals affected with LAMA2-related conditions. For these reasons, this variant has been classified as Pathogenic.

Literature cited by the submitters: PubMed 18700894; PubMed 32904964.